The following is an entry in ClinVar:

ClinVar aggregate classification (germline): Conflicting classifications of pathogenicity. Review status: criteria provided, conflicting classifications (1 of 4 stars). 3 submissions from 3 submitters: Uncertain significance (1); Likely benign (2). Last evaluated 2026-04-24.

Conditions:
Familial thoracic aortic aneurysm and aortic dissection (TAAD). Also called: Thoracic aortic aneurysms and dissections. Identifiers: Orphanet 91387, MedGen C4707243, MONDO:0019625.

Submissions (3):

Dasa
Classification: Uncertain significance. Last evaluated: 2026-04-24. Review status: criteria provided, single submitter. Criteria: DASA Assertion Criteria. Collection method: clinical testing. Allele origin: germline.
Comment: NM_002474.3(MYH11):c.2385G>T (p.Ala795=) is a sequence variant. The variant is present at low frequency in population datasets. Based on the available data, this variant is classified as variant of uncertain significance.

Color Diagnostics, LLC DBA Color Health
Classification: Likely benign for Familial thoracic aortic aneurysm and aortic dissection. Last evaluated: 2025-06-23. Review status: criteria provided, single submitter. Criteria: ACMG Guidelines, 2015. Collection method: clinical testing. Allele origin: germline.

Ambry Genetics
Classification: Likely benign for Familial thoracic aortic aneurysm and aortic dissection. Last evaluated: 2020-01-17. Review status: criteria provided, single submitter. Criteria: Ambry Variant Classification Scheme 2023. Collection method: clinical testing. Allele origin: germline.

NM_002474.3(MYH11):c.2385G>T (p.Ala795=)

Gene: MYH11 (myosin heavy chain 11; minus strand). Cytogenetic location: 16p13.11.
Variant type: single nucleotide variant.
Coding change: c.2385G>T on transcript NM_002474.3 (MANE Select); coding-DNA position 2385, G replaced by T.
Protein change: p.Ala795=; no amino-acid change (alanine 795 retained).
Molecular consequence: synonymous variant.
Genome position (GRCh38, 1-based): chr16:15,747,596, C>A on the plus strand (G>T on the coding strand, the complement: MYH11 is on the minus strand). VCF-style: chr16-15747596-C-A. GRCh37 (hg19) VCF-style: chr16-15841453-C-A.
Other names: c.2406G>T, p.Ala802= (NM_001040113.2, NM_001040114.2); c.2385G>T, p.Ala795= (NM_022844.3).
Identifiers: ClinVar variation 1790489 (VCV001790489.4), dbSNP rs772248675, ClinGen allele CA493792059.